The following is an entry in ClinVar:

NM_016216.4(DBR1):c.610A>G (p.Thr204Ala)

Gene: DBR1 (debranching RNA lariats 1; minus strand). Cytogenetic location: 3q22.3.
Variant type: single nucleotide variant.
Coding change: c.610A>G on transcript NM_016216.4 (MANE Select); coding-DNA position 610, A replaced by G.
Protein change: p.Thr204Ala; replaces threonine 204 with alanine.
Molecular consequence: missense variant.
Genome position (GRCh38, 1-based): chr3:138,167,185, T>C on the plus strand (A>G on the coding strand, the complement: DBR1 is on the minus strand). VCF-style: chr3-138167185-T-C. GRCh37 (hg19) VCF-style: chr3-137886027-T-C.
Other names: short protein forms T204A.
Identifiers: ClinVar variation 2026224 (VCV002026224.4), dbSNP rs2472965916, ClinGen allele CA354675618.
Genomic context (GRCh38, chr3:138,167,185, plus strand): 5'-AAAACCAATAAGTAGGTTTGAGATGCTCTAAAAGCTCTGAGGCAGCTGGACTTCCTAATG[T>C]GTTATTTTCCACTTCTTGTCGGAAAAAAGATTTAGTCTTAAGAAGTTGCTTCTTATTTCC-3'
Protein context (NP_057300.2, residues 194-214): SFFRQEVENN[Thr204Ala]LGSPAASELL

ClinVar aggregate classification (germline): Uncertain significance (1 of 4 stars; one submission).

Allele frequency attached by ClinVar (database versions not stated): gnomAD exomes below 0.00001.

Submission:

Labcorp Genetics (formerly Invitae), Labcorp
Classification: Uncertain significance. Last evaluated: 2026-01-12. Review status: criteria provided, single submitter. Criteria: Invitae Variant Classification Sherloc (09022015). Collection method: clinical testing. Allele origin: germline.
Comment: This sequence change replaces threonine, which is neutral and polar, with alanine, which is neutral and non-polar, at codon 204 of the DBR1 protein (p.Thr204Ala). This variant is not present in population databases (gnomAD no frequency). This variant has not been reported in the literature in individuals affected with DBR1-related conditions. ClinVar contains an entry for this variant (Variation ID: 2026224). An algorithm developed to predict the effect of missense changes on protein structure and function (PolyPhen-2) suggests that this variant is likely to be tolerated. In summary, the available evidence is currently insufficient to determine the role of this variant in disease. Therefore, it has been classified as a Variant of Uncertain Significance.